The following is an entry in ClinVar:

NM_053025.4(MYLK):c.384G>A (p.Ala128=)

Gene: MYLK (myosin light chain kinase; minus strand). Cytogenetic location: 3q21.1.
Variant type: single nucleotide variant.
Coding change: c.384G>A on transcript NM_053025.4 (MANE Select); coding-DNA position 384, G replaced by A.
Protein change: p.Ala128=; no amino-acid change (alanine 128 retained).
Molecular consequence: synonymous variant. On other transcripts: 5 prime UTR variant (1).
Genome position (GRCh38, 1-based): chr3:123,739,991, C>T on the plus strand (G>A on the coding strand, the complement: MYLK is on the minus strand). VCF-style: chr3-123739991-C-T. GRCh37 (hg19) VCF-style: chr3-123458838-C-T.
Other names: c.-145G>A (NM_001321309.2); c.384G>A, p.Ala128= (NM_053026.4, NM_053027.4, NM_053028.4).
Identifiers: ClinVar variation 1549775 (VCV001549775.12), dbSNP rs548876789, ClinGen allele CA070890.

ClinVar aggregate classification (germline): Likely benign. Review status: criteria provided, multiple submitters, no conflicts (2 of 4 stars). 4 submissions from 4 submitters: Likely benign (4). Last evaluated 2026-09-21.

Conditions:
Familial thoracic aortic aneurysm and aortic dissection (TAAD). Also called: Thoracic aortic aneurysms and dissections. Identifiers: Orphanet 91387, MedGen C4707243, MONDO:0019625.
Aortic aneurysm, familial thoracic 7 (AAT7). Also called: AORTIC DISSECTION, FAMILIAL, WITH OR WITHOUT AORTIC ANEURYSM. Identifiers: MedGen C3151077, MONDO:0013418, OMIM 613780.

Allele frequency attached by ClinVar (database versions not stated): ExAC 0.00002; gnomAD 0.00004; TOPMed 0.00001; gnomAD exomes 0.00005 and 0.00003.
gnomAD v4.1: 80 of 1,613,796 alleles (0.005%); highest among the groups gnomAD compares: Non-Finnish European, 0.0058%; 1 homozygote.

Submissions (4):

Molecular Diagnostic Laboratory for Inherited Cardiovascular Disease, Montreal Heart Institute
Classification: Likely benign. Last evaluated: 2026-09-21. Review status: criteria provided, single submitter. Criteria: ACMG Guidelines, 2015. Collection method: clinical testing. Allele origin: germline. Affected: no.
Comment: BP7

Labcorp Genetics (formerly Invitae), Labcorp
Classification: Likely benign for Aortic aneurysm, familial thoracic 7. Last evaluated: 2026-01-28. Review status: criteria provided, single submitter. Criteria: Invitae Variant Classification Sherloc (09022015). Collection method: clinical testing. Allele origin: germline.

Blueprint Genetics
Classification: Likely benign. Last evaluated: 2022-10-18. Review status: criteria provided, single submitter. Criteria: ACMG Guidelines, 2015. Collection method: clinical testing. Allele origin: germline.

Ambry Genetics
Classification: Likely benign for Familial thoracic aortic aneurysm and aortic dissection. Last evaluated: 2020-09-29. Review status: criteria provided, single submitter. Criteria: Ambry Variant Classification Scheme 2023. Collection method: clinical testing. Allele origin: germline.